The following is an entry in ClinVar:

ClinVar aggregate classification (germline): Conflicting classifications of pathogenicity. Review status: criteria provided, conflicting classifications (1 of 4 stars). 2 submissions from 2 submitters: Uncertain significance (1); Likely benign (1). Last evaluated 2025-09-08.

Conditions:
Hypertrophic cardiomyopathy 1 (CMH1). Also called: MYH7-Related Familial Hypertrophic Cardiomyopathy; Familial hypertrophic cardiomyopathy 1. Identifiers: MedGen C3495498, MONDO:0008647, OMIM 192600.

Allele frequency attached by ClinVar (database versions not stated): gnomAD exomes 0.00002; ExAC 0.00003; gnomAD 0.00003; TOPMed 0.00003.

Submissions (2):

Labcorp Genetics (formerly Invitae), Labcorp
Classification: Likely benign for Hypertrophic cardiomyopathy 1. Last evaluated: 2025-09-08. Review status: criteria provided, single submitter. Criteria: Invitae Variant Classification Sherloc (09022015). Collection method: clinical testing. Allele origin: germline.

GeneDx
Classification: Uncertain significance. Last evaluated: 2024-08-27. Review status: criteria provided, single submitter. Criteria: GeneDx Variant Classification Process June 2021. Collection method: clinical testing. Allele origin: germline. Affected: yes.
Comment: Has not been previously published as pathogenic or benign to our knowledge; Not observed at significant frequency in large population cohorts (gnomAD); In silico analysis suggests this variant may impact gene splicing. In the absence of RNA/functional studies, the actual effect of this sequence change is unknown.

NM_033118.4(MYLK2):c.1380C>T (p.Ser460=)

Gene: MYLK2 (myosin light chain kinase 2; plus strand). Cytogenetic location: 20q11.21.
Variant type: single nucleotide variant.
Coding change: c.1380C>T on transcript NM_033118.4 (MANE Select); coding-DNA position 1380, C replaced by T.
Protein change: p.Ser460=; no amino-acid change (serine 460 retained).
Molecular consequence: synonymous variant.
Genome position (GRCh38, 1-based): chr20:31,831,097, C>T. VCF-style: chr20-31831097-C-T. GRCh37 (hg19) VCF-style: chr20-30418900-C-T.
Identifiers: ClinVar variation 387608 (VCV000387608.8), dbSNP rs777799897, ClinGen allele CA9803195.